The following is an entry in ClinVar:

ClinVar aggregate classification (germline): Uncertain significance (1 of 4 stars; one submission).

Submission:

Labcorp Genetics (formerly Invitae), Labcorp
Classification: Uncertain significance. Last evaluated: 2025-09-03. Review status: criteria provided, single submitter. Criteria: Invitae Variant Classification Sherloc (09022015). Collection method: clinical testing. Allele origin: germline.
Comment: This sequence change replaces glycine, which is neutral and non-polar, with arginine, which is basic and polar, at codon 5 of the BNC2 protein (p.Gly5Arg). This variant is not present in population databases (gnomAD no frequency). This variant has not been reported in the literature in individuals affected with BNC2-related conditions. ClinVar contains an entry for this variant (Variation ID: 2880873). Experimental studies and prediction algorithms are not available or were not evaluated, and the functional significance of this variant is currently unknown. In summary, the available evidence is currently insufficient to determine the role of this variant in disease. Therefore, it has been classified as a Variant of Uncertain Significance.

NM_017637.6(BNC2):c.13G>A (p.Gly5Arg)

Gene: BNC2 (basonuclin zinc finger protein 2; minus strand). Cytogenetic location: 9p22.2.
Variant type: single nucleotide variant.
Coding change: c.13G>A on transcript NM_017637.6 (MANE Select); coding-DNA position 13, G replaced by A.
Protein change: p.Gly5Arg; replaces glycine 5 with arginine.
Molecular consequence: missense variant. On other transcripts: intron variant (2).
Genome position (GRCh38, 1-based): chr9:16,738,476, C>T on the plus strand (G>A on the coding strand, the complement: BNC2 is on the minus strand). VCF-style: chr9-16738476-C-T. GRCh37 (hg19) VCF-style: chr9-16738474-C-T.
Other names: c.4-10479G>A (NM_001317939.2); c.45+93768G>A (NM_001317940.2); short protein forms G5R.
Identifiers: ClinVar variation 2880873 (VCV002880873.3), dbSNP rs2549105923, ClinGen allele CA373098597.